The following is an entry in ClinVar:

NM_000153.4(GALC):c.1987T>G (p.Trp663Gly)

Gene: GALC (galactosylceramidase; minus strand). Cytogenetic location: 14q31.3.
Variant type: single nucleotide variant.
Coding change: c.1987T>G on transcript NM_000153.4 (MANE Select); coding-DNA position 1987, T replaced by G.
Protein change: p.Trp663Gly; replaces tryptophan 663 with glycine.
Molecular consequence: missense variant.
Genome position (GRCh38, 1-based): chr14:87,934,803, A>C on the plus strand (T>G on the coding strand, the complement: GALC is on the minus strand). VCF-style: chr14-87934803-A-C. GRCh37 (hg19) VCF-style: chr14-88401147-A-C.
Other names: c.1918T>G, p.Trp640Gly (NM_001201401.2); c.1909T>G, p.Trp637Gly (NM_001201402.2); short protein forms W640G, W663G, W637G.
Identifiers: ClinVar variation 402185 (VCV000402185.3), dbSNP rs1060499761, ClinGen allele CA16609532.

ClinVar aggregate classification (germline): Conflicting classifications of pathogenicity. Review status: criteria provided, conflicting classifications (1 of 4 stars). 3 submissions from 3 submitters: Likely pathogenic (1); Uncertain significance (1). 1 of the submissions does not count toward it. Last evaluated 2025-05-02.

Conditions:
Galactosylceramide beta-galactosidase deficiency. Also called: GALACTOCEREBROSIDASE DEFICIENCY; GALC DEFICIENCY; GLOBOID CELL LEUKOENCEPHALOPATHY; Krabbe Disease; Leukodystrophy, Globoid Cell. Identifiers: Orphanet 487, MedGen C0023521, MONDO:0009499, OMIM 245200.
Abnormal brain morphology. Also called: Abnormality of brain morphology. Identifiers: MedGen C4021085, HP:0012443.

Allele frequency attached by ClinVar (database versions not stated): gnomAD exomes below 0.00001.
gnomAD v4.1: 1 of 1,613,210 alleles (0.000062%); highest among the groups gnomAD compares: Non-Finnish European, 0.000085%; no homozygotes.

Submissions (3):

Labcorp Genetics (formerly Invitae), Labcorp
Classification: Uncertain significance for Galactosylceramide beta-galactosidase deficiency. Last evaluated: 2025-05-02. Review status: criteria provided, single submitter. Criteria: Invitae Variant Classification Sherloc (09022015). Collection method: clinical testing. Allele origin: germline.
Comment: This sequence change replaces tryptophan, which is neutral and slightly polar, with glycine, which is neutral and non-polar, at codon 663 of the GALC protein (p.Trp663Gly). This variant is not present in population databases (gnomAD no frequency). This missense change has been observed in individual(s) with GALC-related conditions (PMID: 26539891). ClinVar contains an entry for this variant (Variation ID: 402185). Invitae Evidence Modeling of protein sequence and biophysical properties (such as structural, functional, and spatial information, amino acid conservation, physicochemical variation, residue mobility, and thermodynamic stability) indicates that this missense variant is expected to disrupt GALC protein function with a positive predictive value of 95%. In summary, the available evidence is currently insufficient to determine the role of this variant in disease. Therefore, it has been classified as a Variant of Uncertain Significance.

Lupski Lab, Baylor-Hopkins CMG, Baylor College of Medicine
Classification: Likely pathogenic for Abnormal brain morphology. Review status: criteria provided, single submitter. Criteria: Karaca et al. (Neuron 2015). Collection method: research. Allele origin: inherited. Inheritance: Autosomal recessive inheritance. Affected: yes.

Counsyl
Classification: Uncertain significance for Galactosylceramide beta-galactosidase deficiency. Last evaluated: 2018-04-18. Review status: no assertion criteria provided. Collection method: clinical testing. Allele origin: unknown. Not counted in ClinVar's aggregate classification.

Literature cited by the submitters: PubMed 26539891 (cited by Labcorp Genetics (formerly Invitae), Labcorp and Counsyl).